The following is an entry in ClinVar:

ClinVar aggregate classification (germline): Uncertain significance. Review status: criteria provided, multiple submitters, no conflicts (2 of 4 stars). 2 submissions from 2 submitters: Uncertain significance (2). Last evaluated 2025-05-27.

Conditions:
Cardiovascular phenotype. Identifiers: MedGen CN230736.
Brugada syndrome 8 (BRGDA8). Identifiers: Orphanet 130, MedGen C2751083, MONDO:0013148, OMIM 613123.

Submissions (2):

Labcorp Genetics (formerly Invitae), Labcorp
Classification: Uncertain significance for Brugada syndrome 8. Last evaluated: 2025-05-27. Review status: criteria provided, single submitter. Criteria: Invitae Variant Classification Sherloc (09022015). Collection method: clinical testing. Allele origin: germline.
Comment: This sequence change replaces glycine, which is neutral and non-polar, with tryptophan, which is neutral and slightly polar, at codon 947 of the HCN4 protein (p.Gly947Trp). This variant is not present in population databases (gnomAD no frequency). This variant has not been reported in the literature in individuals affected with HCN4-related conditions. ClinVar contains an entry for this variant (Variation ID: 2626620). Invitae Evidence Modeling of protein sequence and biophysical properties (such as structural, functional, and spatial information, amino acid conservation, physicochemical variation, residue mobility, and thermodynamic stability) indicates that this missense variant is not expected to disrupt HCN4 protein function with a negative predictive value of 95%. In summary, the available evidence is currently insufficient to determine the role of this variant in disease. Therefore, it has been classified as a Variant of Uncertain Significance.

Ambry Genetics
Classification: Uncertain significance for Cardiovascular phenotype. Last evaluated: 2023-08-13. Review status: criteria provided, single submitter. Criteria: Ambry Variant Classification Scheme 2023. Collection method: clinical testing. Allele origin: germline.
Comment: The p.G947W variant (also known as c.2839G>T), located in coding exon 8 of the HCN4 gene, results from a G to T substitution at nucleotide position 2839. The glycine at codon 947 is replaced by tryptophan, an amino acid with highly dissimilar properties. This amino acid position is conserved. In addition, the in silico prediction for this alteration is inconclusive. Since supporting evidence is limited at this time, the clinical significance of this alteration remains unclear.

NM_005477.3(HCN4):c.2839G>T (p.Gly947Trp)

Gene: HCN4 (hyperpolarization activated cyclic nucleotide gated potassium channel 4; minus strand). Cytogenetic location: 15q24.1.
Variant type: single nucleotide variant.
Coding change: c.2839G>T on transcript NM_005477.3 (MANE Select); coding-DNA position 2839, G replaced by T.
Protein change: p.Gly947Trp; replaces glycine 947 with tryptophan.
Molecular consequence: missense variant.
Genome position (GRCh38, 1-based): chr15:73,323,254, C>A on the plus strand (G>T on the coding strand, the complement: HCN4 is on the minus strand). VCF-style: chr15-73323254-C-A. GRCh37 (hg19) VCF-style: chr15-73615595-C-A.
Other names: short protein forms G947W.
Identifiers: ClinVar variation 2626620 (VCV002626620.5), dbSNP rs753524680, ClinGen allele CA393087347.